The following is an entry in ClinVar:

ClinVar aggregate classification (germline): Uncertain significance (1 of 4 stars; one submission).

gnomAD v4.1: 2 of 1,614,006 alleles (0.00012%); highest among the groups gnomAD compares: East Asian, 0.0022%; no homozygotes.

Submission:

Labcorp Genetics (formerly Invitae), Labcorp
Classification: Uncertain significance. Last evaluated: 2025-07-02. Review status: criteria provided, single submitter. Criteria: Invitae Variant Classification Sherloc (09022015). Collection method: clinical testing. Allele origin: germline.
Comment: This sequence change replaces histidine, which is basic and polar, with arginine, which is basic and polar, at codon 236 of the EIF2AK1 protein (p.His236Arg). This variant is not present in population databases (gnomAD no frequency). This variant has not been reported in the literature in individuals affected with EIF2AK1-related conditions. An algorithm developed to predict the effect of missense changes on protein structure and function (PolyPhen-2) suggests that this variant is likely to be disruptive. In summary, the available evidence is currently insufficient to determine the role of this variant in disease. Therefore, it has been classified as a Variant of Uncertain Significance.

NM_014413.4(EIF2AK1):c.707A>G (p.His236Arg)

Gene: EIF2AK1 (eukaryotic translation initiation factor 2 alpha kinase 1; minus strand). Cytogenetic location: 7p22.1.
Variant type: single nucleotide variant.
Coding change: c.707A>G on transcript NM_014413.4 (MANE Select); coding-DNA position 707, A replaced by G.
Protein change: p.His236Arg; replaces histidine 236 with arginine.
Molecular consequence: missense variant.
Genome position (GRCh38, 1-based): chr7:6,044,585, T>C on the plus strand (A>G on the coding strand, the complement: EIF2AK1 is on the minus strand). VCF-style: chr7-6044585-T-C. GRCh37 (hg19) VCF-style: chr7-6084216-T-C.
Other names: c.707A>G, p.His236Arg (NM_001134335.2); short protein forms H236R.
Identifiers: ClinVar variation 4761152 (VCV004761152.1).